The following is an entry in ClinVar:

NM_000127.3(EXT1):c.1925del (p.Leu642fs)

Gene: EXT1 (exostosin glycosyltransferase 1; minus strand). Cytogenetic location: 8q24.11.
Variant type: Deletion.
Coding change: c.1925del on transcript NM_000127.3 (MANE Select); coding-DNA position 1925, one base deleted (T; older notation c.1925delT).
Protein change: p.Leu642fs; shifts the reading frame from leucine 642.
Molecular consequence: frameshift variant.
Genome position (GRCh38, 1-based): chr8:117,804,852, A deleted on the plus strand (T on the coding strand, the reverse complement: EXT1 is on the minus strand). VCF-style (leftmost placement, unchanged base first): chr8-117804851-CA-C. GRCh37 (hg19) VCF-style: chr8-118817090-CA-C.
Other names: short protein forms L642fs.
Identifiers: ClinVar variation 938428 (VCV000938428.9), dbSNP rs1823214768, ClinGen allele CA1139660716.

ClinVar aggregate classification (germline): Pathogenic (1 of 4 stars; one submission).

Conditions:
Multiple congenital exostosis (EXT). Also called: Multiple exostoses; Hereditary multiple exostoses; Hereditary multiple exostosis; Hereditary multiple osteochondromas; MULTIPLE CARTILAGINOUS EXOSTOSES; Multiple osteochondromas. Identifiers: Orphanet 321, MedGen C0015306, MONDO:0005508, HP:0002762.

Submission:

Labcorp Genetics (formerly Invitae), Labcorp
Classification: Pathogenic for Multiple congenital exostosis. Last evaluated: 2019-06-21. Review status: criteria provided, single submitter. Criteria: Invitae Variant Classification Sherloc (09022015). Collection method: clinical testing. Allele origin: germline.
Comment: This sequence change creates a premature translational stop signal (p.Leu642Argfs*16) in the EXT1 gene. It is expected to result in an absent or disrupted protein product. This variant is not present in population databases (ExAC no frequency). Loss-of-function variants in EXT1 are known to be pathogenic (PMID: 10679937, 11391482, 19810120). For these reasons, this variant has been classified as Pathogenic.

Literature cited by the submitters: PubMed 10679937; PubMed 11391482; PubMed 19810120.